The following is an entry in ClinVar:

NM_001267550.2(TTN):c.104435T>C (p.Ile34812Thr)

Genes: TTN-AS1 (TTN antisense RNA 1; plus strand), TTN (titin; minus strand). Cytogenetic location: 2q31.2.
Variant type: single nucleotide variant.
Coding change: c.104435T>C on transcript NM_001267550.2 (MANE Select); coding-DNA position 104435, T replaced by C.
Protein change: p.Ile34812Thr; replaces isoleucine 34812 with threonine.
Molecular consequence: missense variant.
Genome position (GRCh38, 1-based): chr2:178,532,180, A>G on the plus strand (T>C on the coding strand, the complement: TTN is on the minus strand). VCF-style: chr2-178532180-A-G. GRCh37 (hg19) VCF-style: chr2-179396907-A-G.
Other names: c.99512T>C, p.Ile33171Thr (NM_001256850.1); c.77240T>C, p.Ile25747Thr (NM_003319.4); c.96731T>C, p.Ile32244Thr (NM_133378.4); c.77615T>C, p.Ile25872Thr (NM_133432.3); c.77816T>C, p.Ile25939Thr (NM_133437.4); short protein forms I25747T, I25872T, I25939T, I32244T, I33171T, I34812T.
Identifiers: ClinVar variation 1057272 (VCV001057272.7), dbSNP rs1427010837, ClinGen allele CA349411737.

ClinVar aggregate classification (germline): Uncertain significance (1 of 4 stars; one submission).

Conditions:
Dilated cardiomyopathy 1G (CMD1G). Identifiers: Orphanet 154, MedGen C1858763, MONDO:0011400, OMIM 604145.
Autosomal recessive limb-girdle muscular dystrophy type 2J (LGMDR10). Also called: Limb-girdle muscular dystrophy, type 2J; MUSCULAR DYSTROPHY, LIMB-GIRDLE, AUTOSOMAL RECESSIVE 10. Identifiers: Orphanet 140922, MedGen C1837342, MONDO:0012127, OMIM 608807.

Allele frequency attached by ClinVar (database versions not stated): TOPMed below 0.00001; gnomAD 0.00001.
gnomAD v4.1: 1 of 1,613,442 alleles (0.000062%); highest among the groups gnomAD compares: African/African-American, 0.0013%; no homozygotes.

Submission:

Labcorp Genetics (formerly Invitae), Labcorp
Classification: Uncertain significance for Dilated cardiomyopathy 1G; Autosomal recessive limb-girdle muscular dystrophy type 2J. Last evaluated: 2024-08-30. Review status: criteria provided, single submitter. Criteria: Invitae Variant Classification Sherloc (09022015). Collection method: clinical testing. Allele origin: germline.
Comment: This sequence change replaces isoleucine, which is neutral and non-polar, with threonine, which is neutral and polar, at codon 34812 of the TTN protein (p.Ile34812Thr). This variant is not present in population databases (gnomAD no frequency). This variant has not been reported in the literature in individuals affected with TTN-related conditions. ClinVar contains an entry for this variant (Variation ID: 1057272). Experimental studies and prediction algorithms are not available or were not evaluated, and the functional significance of this variant is currently unknown. This variant is located in the M band of TTN (PMID: 25589632). Non-truncating variants in this region may be relevant for neuromuscular disorders, but have not been definitively shown to cause cardiomyopathy (PMID: 23975875). In summary, the available evidence is currently insufficient to determine the role of this variant in disease. Therefore, it has been classified as a Variant of Uncertain Significance.

Literature cited by the submitters: PubMed 25589632; PubMed 23975875.